The following is an entry in ClinVar:

NM_001291303.3(FAT4):c.982A>G (p.Arg328Gly)

Gene: FAT4 (FAT atypical cadherin 4; plus strand). Cytogenetic location: 4q28.1.
Variant type: single nucleotide variant.
Coding change: c.982A>G on transcript NM_001291303.3 (MANE Select); coding-DNA position 982, A replaced by G.
Protein change: p.Arg328Gly; replaces arginine 328 with glycine.
Molecular consequence: missense variant.
Genome position (GRCh38, 1-based): chr4:125,317,393, A>G. VCF-style: chr4-125317393-A-G. GRCh37 (hg19) VCF-style: chr4-126238548-A-G.
Other names: c.982A>G, p.Arg328Gly (NM_001291285.3, NM_024582.6); short protein forms R328G.
Identifiers: ClinVar variation 3371057 (VCV003371057.1).
Genomic context (GRCh38, chr4:125,317,393, plus strand): 5'-CGGGAGCCCCTGGACTTCGAAGCTCGGCGCCAATACTCGCTTACGGTGCAGGCGATGGAC[A>G]GAGGCGTGCCTTCCCTCACTGGGCGCGCCGAGGCGCTGATTCAGCTGCTGGACGTGAATG-3'
Protein context (NP_001278232.1, residues 318-338): QYSLTVQAMD[Arg328Gly]GVPSLTGRAE

ClinVar aggregate classification (germline): Uncertain significance (1 of 4 stars; one submission).

gnomAD v4.1: 1 of 1,613,496 alleles (0.000062%); highest among the groups gnomAD compares: Non-Finnish European, 0.000085%; no homozygotes.

Submission:

GeneDx
Classification: Uncertain significance. Last evaluated: 2024-03-14. Review status: criteria provided, single submitter. Criteria: GeneDx Variant Classification Process June 2021. Collection method: clinical testing. Allele origin: germline. Affected: yes.
Comment: Not observed at significant frequency in large population cohorts (gnomAD); In silico analysis supports that this missense variant does not alter protein structure/function; Has not been previously published as pathogenic or benign to our knowledge